The following is an entry in ClinVar:

ClinVar aggregate classification (germline): Likely benign (1 of 4 stars; one submission).

Conditions:
Arrhythmogenic cardiomyopathy with wooly hair and keratoderma. Also called: PALMOPLANTAR KERATODERMA WITH LEFT VENTRICULAR CARDIOMYOPATHY AND WOOLLY HAIR; Carvajal syndrome; Dilated cardiomyopathy with woolly hair and keratoderma; Arrhythmogenic cardiomyopathy with woolly hair and keratoderma. Identifiers: Orphanet 65282, MedGen C1854063, MONDO:0011581, OMIM 605676.

Submission:

All of Us Research Program, National Institutes of Health
Classification: Likely benign for Arrhythmogenic cardiomyopathy with wooly hair and keratoderma. Last evaluated: 2023-11-20. Review status: criteria provided, single submitter. Criteria: ACMG Guidelines, 2015. Collection method: clinical testing. Allele origin: germline. Inheritance: Autosomal dominant inheritance. Observed: 1 variant allele, 1 heterozygote.
Comment: This study involves interpretation of variants in research participants for the purpose of population health screening. Participant phenotype was not available at the time of variant classification. Additional details can be found in publication PMID: 35346344, PMCID: PMC8962531

NM_004415.4(DSP):c.3883C>T (p.Leu1295=)

Gene: DSP (desmoplakin; plus strand). Cytogenetic location: 6p24.3.
Variant type: single nucleotide variant.
Coding change: c.3883C>T on transcript NM_004415.4 (MANE Select); coding-DNA position 3883, C replaced by T.
Protein change: p.Leu1295=; no amino-acid change (leucine 1295 retained).
Molecular consequence: synonymous variant. On other transcripts: intron variant (1).
Genome position (GRCh38, 1-based): chr6:7,580,073, C>T. VCF-style: chr6-7580073-C-T. GRCh37 (hg19) VCF-style: chr6-7580306-C-T.
Other names: c.3883C>T, p.Leu1295= (NM_001319034.2); c.3582+301C>T (NM_001008844.3).
Identifiers: ClinVar variation 3074705 (VCV003074705.1), dbSNP rs2533926451, ClinGen allele CA448715290.